The following is an entry in ClinVar:

NM_007294.4(BRCA1):c.1960A>C (p.Lys654Gln)

Gene: BRCA1 (BRCA1 DNA repair associated; minus strand). Cytogenetic location: 17q21.31.
Variant type: single nucleotide variant.
Coding change: c.1960A>C on transcript NM_007294.4 (MANE Select); coding-DNA position 1960, A replaced by C.
Protein change: p.Lys654Gln; replaces lysine 654 with glutamine.
Molecular consequence: missense variant. On other transcripts: intron variant (137).
Genome position (GRCh38, 1-based): chr17:43,093,571, T>G on the plus strand (A>C on the coding strand, the complement: BRCA1 is on the minus strand). VCF-style: chr17-43093571-T-G. GRCh37 (hg19) VCF-style: chr17-41245588-T-G.
Other names: c.1957A>C, p.Lys653Gln (NM_001407627.1, NM_001407860.1, NM_001407861.1 and 22 more transcripts); c.1960A>C, p.Lys654Gln (NM_001407621.1, NM_001407622.1, NM_001407623.1 and 30 more transcripts); c.646+1173A>C (NM_001408453.1, NM_001408461.1, NM_001408467.1 and 11 more transcripts); c.787+1173A>C (NM_001407976.1, NM_001407980.1, NM_001407993.1 and 19 more transcripts); c.652+1173A>C (NM_001408451.1); c.643+1173A>C (NM_001408464.1, NM_001408470.1, NM_001408468.1 and 3 more transcripts); c.664+1173A>C (NM_001408436.1, NM_001408444.1, NM_001408438.1 and 12 more transcripts); c.523+1173A>C (NM_001408498.1, NM_001408501.1, NM_001408500.1 and 3 more transcripts); and 40 more; short protein forms K654Q, K607Q, K586Q, K651Q, K358Q, K527Q, K543Q, K583Q.
Identifiers: ClinVar variation 572395 (VCV000572395.19), dbSNP rs80357355, ClinGen allele CA10598097.

ClinVar aggregate classification (germline): Conflicting classifications of pathogenicity. Review status: criteria provided, conflicting classifications (1 of 4 stars). 4 submissions from 4 submitters: Uncertain significance (2); Likely benign (2). Last evaluated 2025-08-02.

Conditions:
Hereditary breast ovarian cancer syndrome. Also called: BRCA1- and BRCA2-Associated Hereditary Breast and Ovarian Cancer; Hereditary breast and ovarian cancer; Hereditary breast and/or ovarian cancer syndrome; Hereditary breast and ovarian cancer syndrome; Hereditary breast and ovarian cancer syndrome (HBOC); Breast and ovarian cancer. Identifiers: Orphanet 145, MedGen C0677776, MeSH D061325, MONDO:0003582. Disease mechanism: loss of function.
Hereditary cancer-predisposing syndrome. Also called: Neoplastic Syndromes, Hereditary; Hereditary Cancer Syndrome; Tumor predisposition; Hereditary neoplastic syndrome. Identifiers: Orphanet 140162, MedGen C0027672, MeSH D009386, MONDO:0015356.

Allele frequency attached by ClinVar (database versions not stated): gnomAD exomes below 0.00001.
gnomAD v4.1: 4 of 1,614,064 alleles (0.00025%); highest among the groups gnomAD compares: Admixed American, 0.0033%; no homozygotes.

Submissions (4):

Labcorp Genetics (formerly Invitae), Labcorp
Classification: Likely benign for Hereditary breast ovarian cancer syndrome. Last evaluated: 2025-08-02. Review status: criteria provided, single submitter. Criteria: Invitae Variant Classification Sherloc (09022015). Collection method: clinical testing. Allele origin: germline.

Quest Diagnostics Nichols Institute San Juan Capistrano
Classification: Uncertain significance. Last evaluated: 2024-06-12. Review status: criteria provided, single submitter. Criteria: Quest Diagnostics criteria. Collection method: clinical testing. Allele origin: unknown.
Comment: The BRCA1 c.1960A>C (p.Lys654Gln) variant has been reported in the published literature in an individual with breast cancer (PMID: 17279547 (2007)), as well as in a reportedly healthy individual in a case-control study (PMID: 33471991 (2021), see also LOVD). This variant has been described to be located in a region of the BRCA1 gene that is tolerant to missense sequence changes (PMID: 31911673 (2020)), and is characterized as being likely benign in a multifactorial likelihood study (PMID: 31131967 (2019)). The frequency of this variant in the general population, 0.000004 (1/251046 chromosomes (Genome Aggregation Database)), is uninformative in the assessment of its pathogenicity. Analysis of this variant using bioinformatics tools for the prediction of the effect of amino acid changes on protein structure and function yielded conflicting predictions that this variant is deleterious or benign. Based on the available information, we are unable to determine the clinical significance of this variant.

Ambry Genetics
Classification: Uncertain significance for Hereditary cancer-predisposing syndrome. Last evaluated: 2024-01-30. Review status: criteria provided, single submitter. Criteria: Ambry Variant Classification Scheme 2023. Collection method: clinical testing. Allele origin: germline.
Comment: The p.K654Q variant (also known as c.1960A>C), located in coding exon 9 of the BRCA1 gene, results from an A to C substitution at nucleotide position 1960. The lysine at codon 654 is replaced by glutamine, an amino acid with similar properties. This amino acid position is poorly conserved in available vertebrate species. In addition, this alteration is predicted to be tolerated by in silico analysis. Based on the available evidence, the clinical significance of this alteration remains unclear.

University of Washington Department of Laboratory Medicine, University of Washington
Classification: Likely benign for Hereditary cancer-predisposing syndrome. Last evaluated: 2023-03-23. Review status: criteria provided, single submitter. Criteria: Dines et al. (Genet Med. 2020). Collection method: curation. Allele origin: germline.
Comment: Missense variant in a coldspot region where missense variants are very unlikely to be pathogenic (PMID:31911673).

BRCA1 coldspot (exon 11 using historical exon numbering). Reclassification based on statistical prior probability

Literature cited by the submitters: PubMed 31131967 (cited by Quest Diagnostics Nichols Institute San Juan Capistrano); PubMed 17279547 (cited by Quest Diagnostics Nichols Institute San Juan Capistrano); PubMed 31911673 (cited by Quest Diagnostics Nichols Institute San Juan Capistrano).